The following is an entry in ClinVar:

ClinVar aggregate classification (germline): Pathogenic (1 of 4 stars; one submission).

Conditions:
Cystic fibrosis (CF). Also called: MUCOVISCIDOSIS. Identifiers: Orphanet 586, MedGen C0010674, MONDO:0009061, OMIM 219700. Disease mechanism: loss of function.

Submission:

Ambry Genetics
Classification: Pathogenic for Cystic fibrosis. Last evaluated: 2019-01-03. Review status: criteria provided, single submitter. Criteria: Ambry Variant Classification Scheme 2023. Collection method: clinical testing. Allele origin: germline.
Comment: The c.2555delA pathogenic mutation, located in coding exon 15 of the CFTR gene, results from a deletion of one nucleotide at nucleotide position 2555, causing a translational frameshift with a predicted alternate stop codon (p.Y852Lfs*8). This alteration is expected to result in loss of function by premature protein truncation or nonsense-mediated mRNA decay. As such, this alteration is interpreted as a disease-causing mutation.

NM_000492.4(CFTR):c.2555del (p.Tyr852fs)

Gene: CFTR (CF transmembrane conductance regulator; plus strand). Cytogenetic location: 7q31.2.
Variant type: Deletion.
Coding change: c.2555del on transcript NM_000492.4 (MANE Select); coding-DNA position 2555, one base deleted (A; older notation c.2555delA).
Protein change: p.Tyr852fs; shifts the reading frame from tyrosine 852.
Molecular consequence: frameshift variant.
Genome position (GRCh38, 1-based): chr7:117,594,994, A deleted. VCF-style (leftmost placement, unchanged base first): chr7-117594993-TA-T. GRCh37 (hg19) VCF-style: chr7-117235047-TA-T.
Other names: short protein forms Y852fs.
Identifiers: ClinVar variation 1793007 (VCV001793007.2), dbSNP rs2485113849, ClinGen allele CA2580076590.